The following is an entry in ClinVar:

ClinVar aggregate classification (germline): Uncertain significance (1 of 4 stars; one submission).

Conditions:
Propionic acidemia (PROP). Also called: GLYCINEMIA, KETOTIC; HYPERGLYCINEMIA WITH KETOACIDOSIS AND LEUKOPENIA; KETOTIC HYPERGLYCINEMIA. Identifiers: Orphanet 35, MedGen C0268579, MONDO:0011628, OMIM 606054, HP:0003571.

Allele frequency attached by ClinVar (database versions not stated): ExAC 0.00002.
gnomAD v4.1: 21 of 1,608,214 alleles (0.0013%); highest among the groups gnomAD compares: South Asian, 0.0044%; no homozygotes.

Submission:

Labcorp Genetics (formerly Invitae), Labcorp
Classification: Uncertain significance for Propionic acidemia. Last evaluated: 2022-03-25. Review status: criteria provided, single submitter. Criteria: Invitae Variant Classification Sherloc (09022015). Collection method: clinical testing. Allele origin: germline.
Comment: This sequence change affects codon 706 of the PCCA mRNA. It is a 'silent' change, meaning that it does not change the encoded amino acid sequence of the PCCA protein. This variant also falls at the last nucleotide of exon 23, which is part of the consensus splice site for this exon. This variant is present in population databases (rs758468297, gnomAD 0.004%). This variant has not been reported in the literature in individuals affected with PCCA-related conditions. Variants that disrupt the consensus splice site are a relatively common cause of aberrant splicing (PMID: 17576681, 9536098). Algorithms developed to predict the effect of sequence changes on RNA splicing suggest that this variant is not likely to affect RNA splicing. In summary, the available evidence is currently insufficient to determine the role of this variant in disease. Therefore, it has been classified as a Variant of Uncertain Significance.

Literature cited by the submitters: PubMed 17576681; PubMed 9536098.

NM_000282.4(PCCA):c.2118G>A (p.Thr706=)

Gene: PCCA (propionyl-CoA carboxylase subunit alpha; plus strand). Cytogenetic location: 13q32.3.
Variant type: single nucleotide variant.
Coding change: c.2118G>A on transcript NM_000282.4 (MANE Select); coding-DNA position 2118, G replaced by A.
Protein change: p.Thr706=; no amino-acid change (threonine 706 retained).
Molecular consequence: synonymous variant. On other transcripts: non-coding transcript variant (5).
Genome position (GRCh38, 1-based): chr13:100,527,752, G>A. VCF-style: chr13-100527752-G-A. GRCh37 (hg19) VCF-style: chr13-101180006-G-A.
Other names: c.2064G>A, p.Thr688= (NM_001352605.2); c.1974G>A, p.Thr658= (NM_001352606.2); c.1899G>A, p.Thr633= (NM_001352607.2); c.1896G>A, p.Thr632= (NM_001352608.2); c.1173G>A, p.Thr391= (NM_001352610.2); c.1119G>A, p.Thr373= (NM_001352611.2); c.1029G>A, p.Thr343= (NM_001352612.2); c.2040G>A, p.Thr680= (NM_001127692.3); and 1 more.
Identifiers: ClinVar variation 1407533 (VCV001407533.3), dbSNP rs758468297, ClinGen allele CA7033906.